The following is an entry in ClinVar:

ClinVar aggregate classification (germline): Pathogenic (1 of 4 stars; one submission).

Submission:

GeneDx
Classification: Pathogenic. Last evaluated: 2014-06-27. Review status: criteria provided, single submitter. Criteria: GeneDx Variant Classification (06012015). Collection method: clinical testing. Allele origin: germline. Affected: yes.
Comment: c.2189delA: p.Asn730ThrfsX8 (N730TfsX8) in exon 17 of the SPG7 gene (NM_003119.2). The normal sequence with the base that is deleted in braces is: GCAA{A}CGCC. The c.2189delA mutation in the SPG7 gene causes a frameshift starting with codon Asparagine 730, changes this amino acid to a Threonine residue and creates a premature Stop codon at position 8 of the new reading frame, denoted p.Asn730ThrfsX8. This mutation is predicted to cause loss of normal protein function through protein truncation. Although this mutation has not been previously reported to our knowledge, another mutation downstream of c.2189delA that results in protein truncation has been reported in association with spastic paraplegia according to an external database. Therefore, we interpret c.2189delA to be a pathogenic mutation. The variant is found in MITONUC-MITOP panel(s).

NM_003119.4(SPG7):c.2189del (p.Asn730fs)

Gene: SPG7 (SPG7 matrix AAA peptidase subunit, paraplegin; plus strand). Cytogenetic location: 16q24.3.
Variant type: Deletion.
Coding change: c.2189del on transcript NM_003119.4 (MANE Select); coding-DNA position 2189, one base deleted (A; older notation c.2189delA).
Protein change: p.Asn730fs; shifts the reading frame from asparagine 730.
Molecular consequence: frameshift variant.
Genome position (GRCh38, 1-based): chr16:89,556,894, A deleted; the last of 3 consecutive A bases (chr16:89,556,892-89,556,894); deleting any one gives the same sequence. VCF-style (leftmost placement, unchanged base first): chr16-89556891-CA-C. GRCh37 (hg19) VCF-style: chr16-89623299-CA-C.
Other names: c.2397del, p.Lys799fs (NM_001363850.1); short protein forms K799fs, N730fs.
Identifiers: ClinVar variation 215221 (VCV000215221.1), dbSNP rs863224223, ClinGen allele CA319819.